The following is an entry in ClinVar:

ClinVar aggregate classification (germline): Uncertain significance (1 of 4 stars; one submission).

Conditions:
Nemaline myopathy 2 (NEM2). Also called: Nemaline myopathy 2, autosomal recessive. Identifiers: MedGen C1850569, MONDO:0009725, OMIM 256030.

Submission:

Labcorp Genetics (formerly Invitae), Labcorp
Classification: Uncertain significance for Nemaline myopathy 2. Last evaluated: 2024-03-23. Review status: criteria provided, single submitter. Criteria: Invitae Variant Classification Sherloc (09022015). Collection method: clinical testing. Allele origin: germline.
Comment: This sequence change falls in intron 142 of the NEB gene. It does not directly change the encoded amino acid sequence of the NEB protein. This variant is present in population databases (no rsID available, gnomAD 0.002%). This variant has not been reported in the literature in individuals affected with NEB-related conditions. Algorithms developed to predict the effect of sequence changes on RNA splicing suggest that this variant may disrupt the consensus splice site. In summary, the available evidence is currently insufficient to determine the role of this variant in disease. Therefore, it has been classified as a Variant of Uncertain Significance.

NM_001164508.2(NEB):c.21313-795_21313-793del

Genes: NEB (nebulin; minus strand), RIF1 (replication timing regulatory factor 1; plus strand). Cytogenetic location: 2q23.3.
Variant type: Microsatellite.
Coding change: c.21313-795_21313-793del on transcript NM_001164508.2 (MANE Select); 795 bases into the intron before coding-DNA position 21313 through 793 bases into the intron before coding-DNA position 21313, 3 bases deleted (ATA; older notation c.21313-795_21313-793delATA).
Molecular consequence: intron variant.
Genome position (GRCh38, 1-based): chr2:151,534,339-151,534,341, TAT deleted on the plus strand (ATA on the coding strand, the reverse complement: NEB is on the minus strand); deleting any 3 consecutive bases within chr2:151,534,339-151,534,344 gives the same sequence; the c. name uses the placement nearest the transcript's 3' end. VCF-style (leftmost placement, unchanged base first): chr2-151534338-ATAT-A. GRCh37 (hg19) VCF-style: chr2-152390852-ATAT-A.
Other names: c.16210-22_16210-20del (NM_004543.5); c.21313-22_21313-20del (NM_001164507.2, NM_001271208.2).
Identifiers: ClinVar variation 3712856 (VCV003712856.2).